The following is an entry in ClinVar:

ClinVar aggregate classification (germline): Uncertain significance (1 of 4 stars; one submission).

Submission:

Labcorp Genetics (formerly Invitae), Labcorp
Classification: Uncertain significance. Last evaluated: 2025-07-27. Review status: criteria provided, single submitter. Criteria: Invitae Variant Classification Sherloc (09022015). Collection method: clinical testing. Allele origin: germline.
Comment: This sequence change replaces asparagine, which is neutral and polar, with serine, which is neutral and polar, at codon 351 of the HK1 protein (p.Asn351Ser). This variant is present in population databases (no rsID available, gnomAD 0.01%). This variant has not been reported in the literature in individuals affected with HK1-related conditions. Invitae Evidence Modeling of protein sequence and biophysical properties (such as structural, functional, and spatial information, amino acid conservation, physicochemical variation, residue mobility, and thermodynamic stability) indicates that this missense variant is not expected to disrupt HK1 protein function with a negative predictive value of 80%. In summary, the available evidence is currently insufficient to determine the role of this variant in disease. Therefore, it has been classified as a Variant of Uncertain Significance.

NM_000188.3(HK1):c.1052A>G (p.Asn351Ser)

Gene: HK1 (hexokinase 1; plus strand). Cytogenetic location: 10q22.1.
Variant type: single nucleotide variant.
Coding change: c.1052A>G on transcript NM_000188.3 (MANE Select); coding-DNA position 1052, A replaced by G.
Protein change: p.Asn351Ser; replaces asparagine 351 with serine.
Molecular consequence: missense variant. On other transcripts: non-coding transcript variant (2), intron variant (1).
Genome position (GRCh38, 1-based): chr10:69,379,882, A>G. VCF-style: chr10-69379882-A-G. GRCh37 (hg19) VCF-style: chr10-71139638-A-G.
Other names: c.1064A>G, p.Asn355Ser (NM_001322364.2, NM_001358263.1, NM_033497.3 and 1 more transcripts); c.1157A>G, p.Asn386Ser (NM_001322365.2); c.968A>G, p.Asn323Ser (NM_001322366.1, NM_001441143.1); c.956A>G, p.Asn319Ser (NM_001322367.1); c.1052A>G, p.Asn351Ser (NM_001441139.1, NM_001441141.1, NM_001441145.1 and 2 more transcripts); c.1043A>G, p.Asn348Ser (NM_001441140.1); c.1010A>G, p.Asn337Ser (NM_001441142.1); c.932A>G, p.Asn311Ser (NM_001441144.1); and 8 more; short protein forms N138S, N311S, N323S, N348S, N113S, N229S, N277S, N350S.
Identifiers: ClinVar variation 4768665 (VCV004768665.1).